The following is an entry in ClinVar:

NM_000277.3(PAH):c.157C>G (p.Arg53Gly)

Gene: PAH (phenylalanine hydroxylase; minus strand). Cytogenetic location: 12q23.2.
Variant type: single nucleotide variant.
Coding change: c.157C>G on transcript NM_000277.3 (MANE Select); coding-DNA position 157, C replaced by G.
Protein change: p.Arg53Gly; replaces arginine 53 with glycine.
Molecular consequence: missense variant.
Genome position (GRCh38, 1-based): chr12:102,912,802, G>C on the plus strand (C>G on the coding strand, the complement: PAH is on the minus strand). VCF-style: chr12-102912802-G-C. GRCh37 (hg19) VCF-style: chr12-103306580-G-C.
Other names: c.157C>G, p.Arg53Gly (NM_001354304.2); short protein forms R53G.
Identifiers: ClinVar variation 3251787 (VCV003251787.1), dbSNP rs199475619.

ClinVar aggregate classification (germline): Uncertain significance (1 of 4 stars; one submission).

Submission:

Women's Health and Genetics/Laboratory Corporation of America, LabCorp
Classification: Uncertain significance. Last evaluated: 2024-04-23. Review status: criteria provided, single submitter. Criteria: LabCorp Variant Classification Summary - May 2015. Collection method: clinical testing. Allele origin: germline.
Comment: Variant summary: PAH c.157C>G (p.Arg53Gly) results in a non-conservative amino acid change located in the ACT domain (IPR002912) of the encoded protein sequence. Four of five in-silico tools predict a damaging effect of the variant on protein function. The variant was absent in 251390 control chromosomes. The available data on variant occurrences in the general population are insufficient to allow any conclusion about variant significance. To our knowledge, no occurrence of c.157C>G in individuals affected with Phenylalanine Hydroxylase Deficiency (Phenylketonuria) and no experimental evidence demonstrating its impact on protein function have been reported. No submitters have cited clinical-significance assessments for this variant to ClinVar. Based on the evidence outlined above, the variant was classified as uncertain significance.